The following is an entry in ClinVar:

NM_001083116.3(PRF1):c.1406_1428del (p.Asp469fs)

Gene: PRF1 (perforin 1; minus strand). Cytogenetic location: 10q22.1.
Variant type: Deletion.
Coding change: c.1406_1428del on transcript NM_001083116.3 (MANE Select); coding-DNA positions 1406 to 1428, 23 bases deleted (ATGTGCTCCTGGCCACAGGGGGG).
Protein change: p.Asp469fs; shifts the reading frame from aspartic acid 469.
Molecular consequence: frameshift variant.
Genome position (GRCh38, 1-based): chr10:70,598,293-70,598,315, CCCCCCTGTGGCCAGGAGCACAT deleted on the plus strand (ATGTGCTCCTGGCCACAGGGGGG on the coding strand, the reverse complement: PRF1 is on the minus strand); deleting any 23 consecutive bases within chr10:70,598,293-70,598,319 gives the same sequence; the c. name uses the placement nearest the transcript's 3' end. VCF-style (leftmost placement, unchanged base first): chr10-70598292-GCCCCCCTGTGGCCAGGAGCACAT-G. GRCh37 (hg19) VCF-style: chr10-72358048-GCCCCCCTGTGGCCAGGAGCACAT-G.
Other names: c.1406_1428del, p.Asp469fs (NM_005041.6); short protein forms D469fs.
Identifiers: ClinVar variation 2005802 (VCV002005802.4), dbSNP rs2493482339, ClinGen allele CA2580081780.

ClinVar aggregate classification (germline): Pathogenic (1 of 4 stars; one submission).

Conditions:
Familial hemophagocytic lymphohistiocytosis 2 (FHL2). Also called: PRF1-Related Familial Hemophagocytic Lymphohistiocytosis (PRF1-fHLH). Identifiers: Orphanet 540, MedGen C1863727, MONDO:0011337, OMIM 603553.

Submission:

Labcorp Genetics (formerly Invitae), Labcorp
Classification: Pathogenic for Familial hemophagocytic lymphohistiocytosis 2. Last evaluated: 2022-06-13. Review status: criteria provided, single submitter. Criteria: Invitae Variant Classification Sherloc (09022015). Collection method: clinical testing. Allele origin: germline.
Comment: This sequence change creates a premature translational stop signal (p.Asp469Alafs*16) in the PRF1 gene. While this is not anticipated to result in nonsense mediated decay, it is expected to disrupt the last 87 amino acid(s) of the PRF1 protein. For these reasons, this variant has been classified as Pathogenic. This variant disrupts a region of the PRF1 protein in which other variant(s) (p.Asp491Asn) have been determined to be pathogenic (PMID: 17477373, 25577959, 33746956). This suggests that this is a clinically significant region of the protein, and that variants that disrupt it are likely to be disease-causing. This variant has not been reported in the literature in individuals affected with PRF1-related conditions. This variant is not present in population databases (gnomAD no frequency).

Literature cited by the submitters: PubMed 17477373; PubMed 25577959; PubMed 33746956.